The following is an entry in ClinVar:

ClinVar aggregate classification (germline): Uncertain significance (1 of 4 stars; one submission).

Conditions:
Long QT syndrome (LQTS). Identifiers: MedGen C0023976, MeSH D008133, MONDO:0002442. Disease mechanism: loss of function. Inheritance: Various modes of inheritance.

Submission:

Labcorp Genetics (formerly Invitae), Labcorp
Classification: Uncertain significance for Long QT syndrome. Last evaluated: 2025-12-20. Review status: criteria provided, single submitter. Criteria: Invitae Variant Classification Sherloc (09022015). Collection method: clinical testing. Allele origin: germline.
Comment: This sequence change replaces glycine, which is neutral and non-polar, with glutamic acid, which is acidic and polar, at codon 970 of the KCNH2 protein (p.Gly970Glu). This variant is not present in population databases (gnomAD no frequency). This variant has not been reported in the literature in individuals affected with KCNH2-related conditions. ClinVar contains an entry for this variant (Variation ID: 2051692). An algorithm developed to predict the effect of missense changes on protein structure and function (PolyPhen-2) suggests that this variant is likely to be tolerated. In summary, the available evidence is currently insufficient to determine the role of this variant in disease. Therefore, it has been classified as a Variant of Uncertain Significance.

NM_000238.4(KCNH2):c.2909G>A (p.Gly970Glu)

Gene: KCNH2 (potassium voltage-gated channel subfamily H member 2; minus strand). Cytogenetic location: 7q36.1.
Variant type: single nucleotide variant.
Coding change: c.2909G>A on transcript NM_000238.4 (MANE Select); coding-DNA position 2909, G replaced by A.
Protein change: p.Gly970Glu; replaces glycine 970 with glutamic acid.
Molecular consequence: missense variant.
Genome position (GRCh38, 1-based): chr7:150,947,662, C>T on the plus strand (G>A on the coding strand, the complement: KCNH2 is on the minus strand). VCF-style: chr7-150947662-C-T. GRCh37 (hg19) VCF-style: chr7-150644750-C-T.
Other names: c.2621G>A, p.Gly874Glu (NM_001406753.1); c.1889G>A, p.Gly630Glu (NM_172057.3); short protein forms G630E, G874E, G970E.
Identifiers: ClinVar variation 2051692 (VCV002051692.4), dbSNP rs1388839859, ClinGen allele CA369853158.